The following is an entry in ClinVar:

ClinVar aggregate classification (germline): Uncertain significance (1 of 4 stars; one submission).

Conditions:
Inborn genetic diseases. Identifiers: MedGen C0950123, MeSH D030342.

Submission:

Ambry Genetics
Classification: Uncertain significance for Inborn genetic diseases. Last evaluated: 2022-04-11. Review status: criteria provided, single submitter. Criteria: Ambry Variant Classification Scheme 2023. Collection method: clinical testing. Allele origin: germline.
Comment: The p.L108M variant (also known as c.322C>A), located in coding exon 4 of the ATR gene, results from a C to A substitution at nucleotide position 322. The leucine at codon 108 is replaced by methionine, an amino acid with highly similar properties. This amino acid position is conserved. In addition, this alteration is predicted to be tolerated by in silico analysis. Since supporting evidence is limited at this time, the clinical significance of this alteration remains unclear.

NM_001184.4(ATR):c.322C>A (p.Leu108Met)

Gene: ATR (ATR checkpoint kinase; minus strand). Cytogenetic location: 3q23.
Variant type: single nucleotide variant.
Coding change: c.322C>A on transcript NM_001184.4 (MANE Select); coding-DNA position 322, C replaced by A.
Protein change: p.Leu108Met; replaces leucine 108 with methionine.
Molecular consequence: missense variant.
Genome position (GRCh38, 1-based): chr3:142,563,080, G>T on the plus strand (C>A on the coding strand, the complement: ATR is on the minus strand). VCF-style: chr3-142563080-G-T. GRCh37 (hg19) VCF-style: chr3-142281922-G-T.
Other names: c.322C>A, p.Leu108Met (NM_001354579.2); short protein forms L108M.
Identifiers: ClinVar variation 1729167 (VCV001729167.2), dbSNP rs2108488859, ClinGen allele CA354827439.
Genomic context (GRCh38, chr3:142,563,080, plus strand): 5'-AGATGACTTCACAGATTTTCTTGTGTAACAAATGACAGGAGGGAGTTGCTGCAATCCGCA[G>T]AAGTCTCGTTATGATCCAATTACTGAATTCTTTGAAATAAACAAAAAAGATATTAAATAA-3'
Protein context (NP_001175.2, residues 98-118): EFSNWIITRL[Leu108Met]RIAATPSCHL